The following is an entry in ClinVar:

ClinVar aggregate classification (germline): Likely benign (1 of 4 stars; one submission).

Conditions:
SEMA3G-related disorder. Also called: SEMA3G-related condition.

gnomAD v4.1: 20 of 1,612,428 alleles (0.0012%); highest among the groups gnomAD compares: Non-Finnish European, 0.0017%; no homozygotes.

Submission:

PreventionGenetics, part of Exact Sciences
Classification: Likely benign for SEMA3G-related condition. Last evaluated: 2026-07-09. Review status: criteria provided, single submitter. Criteria: ACMG Guidelines, 2015. Collection method: clinical testing. Allele origin: germline.
Comment: This variant is classified as likely benign based on ACMG/AMP sequence variant interpretation guidelines (Richards et al. 2015 PMID: 25741868, with internal and published modifications).

NM_020163.3(SEMA3G):c.1467+7A>G

Gene: SEMA3G (semaphorin 3G; minus strand). Cytogenetic location: 3p21.1.
Variant type: single nucleotide variant.
Coding change: c.1467+7A>G on transcript NM_020163.3 (MANE Select); 7 bases into the intron after coding-DNA position 1467, A replaced by G.
Molecular consequence: intron variant.
Genome position (GRCh38, 1-based): chr3:52,439,673, T>C on the plus strand (A>G on the coding strand, the complement: SEMA3G is on the minus strand). VCF-style: chr3-52439673-T-C. GRCh37 (hg19) VCF-style: chr3-52473689-T-C.
Identifiers: ClinVar variation 4978575 (VCV004978575.1).